The following is an entry in ClinVar:

ClinVar aggregate classification (germline): Likely benign. Review status: criteria provided, multiple submitters, no conflicts (2 of 4 stars). 2 submissions from 2 submitters: Likely benign (2). Last evaluated 2024-11-01.

Allele frequency attached by ClinVar (database versions not stated): gnomAD exomes 0.00012; ExAC 0.00047; 1000 Genomes Project 0.00060; 1000 Genomes Project 30x 0.00062; ESP Exome Variant Server 0.00107; gnomAD 0.00136; TOPMed 0.00165.
gnomAD v4.1: 385 of 1,612,420 alleles (0.024%); highest among the groups gnomAD compares: African/African-American, 0.46%; no homozygotes.

Submissions (2):

Blueprint Genetics
Classification: Likely benign. Last evaluated: 2024-11-01. Review status: criteria provided, single submitter. Criteria: ACMG Guidelines, 2015. Collection method: clinical testing. Allele origin: germline.

CeGaT Center for Human Genetics Tuebingen
Classification: Likely benign. Last evaluated: 2024-07-01. Review status: criteria provided, single submitter. Criteria: CeGaT Center For Human Genetics Tuebingen Variant Classification Criteria Version 2. Collection method: clinical testing. Allele origin: germline. Affected: yes. Observed: 2 variant alleles.
Comment: RAD51D: BP4, BP7, BS1

NM_002878.4(RAD51D):c.263+1571T>C

Genes: RAD51D (RAD51 paralog D; minus strand), RAD51L3-RFFL (RAD51L3-RFFL readthrough; minus strand). Cytogenetic location: 17q12.
Variant type: single nucleotide variant.
Coding change: c.263+1571T>C on transcript NM_002878.4 (MANE Select); 1571 bases into the intron after coding-DNA position 263, T replaced by C.
Molecular consequence: intron variant. On other transcripts: synonymous variant (1).
Genome position (GRCh38, 1-based): chr17:35,116,930, A>G on the plus strand (T>C on the coding strand, the complement: RAD51D is on the minus strand). VCF-style: chr17-35116930-A-G. GRCh37 (hg19) VCF-style: chr17-33443949-A-G.
Other names: c.252T>C, p.Leu84= (NM_001142571.2); c.144+2181T>C (NM_133629.3).
Identifiers: ClinVar variation 2647660 (VCV002647660.25), dbSNP rs186563116, ClinGen allele CA8499577.